The following is an entry in ClinVar:

ClinVar aggregate classification (germline): Uncertain significance (1 of 4 stars; one submission).

Submission:

Labcorp Genetics (formerly Invitae), Labcorp
Classification: Uncertain significance. Last evaluated: 2024-06-28. Review status: criteria provided, single submitter. Criteria: Invitae Variant Classification Sherloc (09022015). Collection method: clinical testing. Allele origin: germline.
Comment: This sequence change replaces asparagine, which is neutral and polar, with serine, which is neutral and polar, at codon 247 of the NTHL1 protein (p.Asn247Ser). This variant is not present in population databases (gnomAD no frequency). This variant has not been reported in the literature in individuals affected with NTHL1-related conditions. An algorithm developed to predict the effect of missense changes on protein structure and function (PolyPhen-2) suggests that this variant is likely to be disruptive. In summary, the available evidence is currently insufficient to determine the role of this variant in disease. Therefore, it has been classified as a Variant of Uncertain Significance.

NM_002528.7(NTHL1):c.716A>G (p.Asn239Ser)

Gene: NTHL1 (nth like DNA glycosylase 1; minus strand). Cytogenetic location: 16p13.3.
Variant type: single nucleotide variant.
Coding change: c.716A>G on transcript NM_002528.7 (MANE Select); coding-DNA position 716, A replaced by G.
Protein change: p.Asn239Ser; replaces asparagine 239 with serine.
Molecular consequence: missense variant.
Genome position (GRCh38, 1-based): chr16:2,040,208, T>C on the plus strand (A>G on the coding strand, the complement: NTHL1 is on the minus strand). VCF-style: chr16-2040208-T-C. GRCh37 (hg19) VCF-style: chr16-2090209-T-C.
Other names: c.545A>G, p.Asn182Ser (NM_001318193.2); c.386A>G, p.Asn129Ser (NM_001318194.2); short protein forms N239S, N129S, N182S.
Identifiers: ClinVar variation 3658061 (VCV003658061.2).